The following is an entry in ClinVar:

ClinVar aggregate classification (germline): Likely pathogenic (1 of 4 stars; one submission).

Conditions:
Hereditary cancer-predisposing syndrome. Also called: Hereditary neoplastic syndrome; Hereditary Cancer Syndrome; Neoplastic Syndromes, Hereditary; Tumor predisposition. Identifiers: Orphanet 140162, MedGen C0027672, MeSH D009386, MONDO:0015356.

Submission:

Ambry Genetics
Classification: Likely pathogenic for Hereditary cancer-predisposing syndrome. Last evaluated: 2023-05-20. Review status: criteria provided, single submitter. Criteria: Ambry Variant Classification Scheme 2023. Collection method: clinical testing. Allele origin: germline.
Comment: The c.448-1G>T intronic variant results from a G to T substitution one nucleotide upstream from coding exon 5 of the NF2 gene. Alterations that disrupt the canonical splice site are expected to result in aberrant splicing. In silico splice site analysis predicts that this alteration will weaken the native splice acceptor site and may result in the creation or strengthening of a novel splice acceptor site. The resulting transcript is predicted to be in-frame and is not expected to trigger nonsense-mediated mRNAdecay; however, direct evidence is unavailable. The exact functional effect of the altered amino acid sequence is unknown. In a study examining transcript analysis and theory based prediction for splicing variants in NF2, this alteration, referred to as IVS4+1G>A, demonstrated weakening of the native splice acceptor site and strengthening of cryptic acceptor sites at exon 5, though there was only partial concordance between the two analyses (Ellis JR et al. Genes Chromosomes Cancer, 2011 Aug;50:571-84). This alteration, referred to as mutation type agTA to atTA in exon 5, was noted to occur de novo in a patient with bilateral vestibular schwannomas, multiple spinal tumors, and one cerebellar meningioma (M&eacute;rel P et al. Genes Chromosomes Cancer, 1995 Feb;12:117-27). This variant is considered to be rare based on population cohorts in the Genome Aggregation Database (gnomAD). This nucleotide position is highly conserved in available vertebrate species. Based on the majority of available evidence to date, this variant is likely to be pathogenic.

Literature cited by the submitters: PubMed 21563229; PubMed 7535084.

NM_000268.4(NF2):c.448-1G>T

Gene: NF2 (NF2, moesin-ezrin-radixin like (MERLIN) tumor suppressor; plus strand). Cytogenetic location: 22q12.2.
Variant type: single nucleotide variant.
Coding change: c.448-1G>T on transcript NM_000268.4 (MANE Select); the canonical splice acceptor site of the intron before coding-DNA position 448, G replaced by T.
Molecular consequence: splice acceptor variant. On other transcripts: intron variant (1).
Genome position (GRCh38, 1-based): chr22:29,654,656, G>T. VCF-style: chr22-29654656-G-T. GRCh37 (hg19) VCF-style: chr22-30050645-G-T.
Other names: c.448-1G>T (NM_016418.5, NM_181832.3, NM_001407060.1 and 4 more transcripts); c.334-1G>T (NM_001407056.1, NM_001407053.1); c.217-1G>T (NM_001407067.1); c.-193-1G>T (NM_001407065.1); c.447+12371G>T (NM_181833.3); c.325-1G>T (NM_001407058.1, NM_181829.3, NM_001407054.1 and 1 more transcripts); c.322-1G>T (NM_181828.3, NM_001407055.1); c.199-1G>T (NM_001407063.1, NM_181830.3, NM_001407064.1 and 1 more transcripts).
Identifiers: ClinVar variation 2568070 (VCV002568070.2), dbSNP rs2146966216, ClinGen allele CA411142100.